The following is an entry in ClinVar:

NM_014476.6(PDLIM3):c.91A>G (p.Arg31Gly)

Gene: PDLIM3 (PDZ and LIM domain 3; minus strand). Cytogenetic location: 4q35.1.
Variant type: single nucleotide variant.
Coding change: c.91A>G on transcript NM_014476.6 (MANE Select); coding-DNA position 91, A replaced by G.
Protein change: p.Arg31Gly; replaces arginine 31 with glycine.
Molecular consequence: missense variant. On other transcripts: non-coding transcript variant (1).
Genome position (GRCh38, 1-based): chr4:185,535,344, T>C on the plus strand (A>G on the coding strand, the complement: PDLIM3 is on the minus strand). VCF-style: chr4-185535344-T-C. GRCh37 (hg19) VCF-style: chr4-186456498-T-C.
Other names: c.91A>G, p.Arg31Gly (NM_001114107.5, NM_001257962.2, NM_001257963.2); short protein forms R31G.
Identifiers: ClinVar variation 1766152 (VCV001766152.5), dbSNP rs758667413, ClinGen allele CA3159916.

ClinVar aggregate classification (germline): Uncertain significance. Review status: criteria provided, multiple submitters, no conflicts (2 of 4 stars). 2 submissions from 2 submitters: Uncertain significance (2). Last evaluated 2025-11-23.

Conditions:
Hypertrophic cardiomyopathy. Also called: HYPERTROPHIC MYOCARDIOPATHY. Identifiers: Orphanet 217569, MedGen C0007194, MeSH D002312, MONDO:0005045, HP:0001639.
Primary dilated cardiomyopathy (DCM). Also called: Dilated Cardiomyopathy. Identifiers: Orphanet 217604, MedGen C0007193, MeSH D002311, MONDO:0005021, HP:0001644. Inheritance: Various modes of inheritance.

Allele frequency attached by ClinVar (database versions not stated): gnomAD exomes 0.00002; ExAC 0.00001; gnomAD 0.00002; TOPMed 0.00005.
gnomAD v4.1: 28 of 1,607,190 alleles (0.0017%); highest among the groups gnomAD compares: African/African-American, 0.0027%; no homozygotes.

Submissions (2):

Labcorp Genetics (formerly Invitae), Labcorp
Classification: Uncertain significance for Hypertrophic cardiomyopathy; Primary dilated cardiomyopathy. Last evaluated: 2025-11-23. Review status: criteria provided, single submitter. Criteria: Invitae Variant Classification Sherloc (09022015). Collection method: clinical testing. Allele origin: germline.
Comment: This sequence change replaces arginine, which is basic and polar, with glycine, which is neutral and non-polar, at codon 31 of the PDLIM3 protein (p.Arg31Gly). The frequency data for this variant in the population databases is considered unreliable, as metrics indicate poor data quality at this position in the gnomAD database. This variant has not been reported in the literature in individuals affected with PDLIM3-related conditions. ClinVar contains an entry for this variant (Variation ID: 1766152). An algorithm developed to predict the effect of missense changes on protein structure and function (PolyPhen-2) suggests that this variant is likely to be disruptive. In summary, the available evidence is currently insufficient to determine the role of this variant in disease. Therefore, it has been classified as a Variant of Uncertain Significance.

Ambry Genetics
Classification: Uncertain significance. Last evaluated: 2024-07-07. Review status: criteria provided, single submitter. Criteria: Ambry Variant Classification Scheme 2023. Collection method: clinical testing. Allele origin: germline.
Comment: The p.R31G variant (also known as c.91A>G), located in coding exon 1 of the PDLIM3 gene, results from an A to G substitution at nucleotide position 91. The arginine at codon 31 is replaced by glycine, an amino acid with dissimilar properties. This amino acid position is conserved. In addition, the in silico prediction for this alteration is inconclusive. Since supporting evidence is limited at this time, the clinical significance of this alteration remains unclear.